The following is an entry in ClinVar:

NM_004618.5(TOP3A):c.2220C>T (p.Cys740=)

Gene: TOP3A (DNA topoisomerase III alpha; minus strand). Cytogenetic location: 17p11.2.
Variant type: single nucleotide variant.
Coding change: c.2220C>T on transcript NM_004618.5 (MANE Select); coding-DNA position 2220, C replaced by T.
Protein change: p.Cys740=; no amino-acid change (cysteine 740 retained).
Molecular consequence: synonymous variant.
Genome position (GRCh38, 1-based): chr17:18,278,282, G>A on the plus strand (C>T on the coding strand, the complement: TOP3A is on the minus strand). VCF-style: chr17-18278282-G-A. GRCh37 (hg19) VCF-style: chr17-18181596-G-A.
Other names: c.1935C>T, p.Cys645= (NM_001320759.2); c.2220C>T (NM_004618.4).
Identifiers: ClinVar variation 2907751 (VCV002907751.5), dbSNP rs768315045, ClinGen allele CA8429650.

ClinVar aggregate classification (germline): Likely benign. Review status: criteria provided, single submitter (1 of 4 stars). 2 submissions from 2 submitters: Likely benign (1). 1 of the submissions does not count toward it. Last evaluated 2023-10-10.

Conditions:
TOP3A-related disorder. Also called: TOP3A-related condition; TOP3A-related disorders.

Allele frequency attached by ClinVar (database versions not stated): ExAC 0.00001; gnomAD exomes 0.00001; gnomAD 0.00002; TOPMed 0.00002.
gnomAD v4.1: 22 of 1,529,476 alleles (0.0014%); highest among the groups gnomAD compares: East Asian, 0.036%; no homozygotes.

Submissions (2):

Labcorp Genetics (formerly Invitae), Labcorp
Classification: Likely benign. Last evaluated: 2023-10-10. Review status: criteria provided, single submitter. Criteria: Invitae Variant Classification Sherloc (09022015). Collection method: clinical testing. Allele origin: germline.

PreventionGenetics, part of Exact Sciences
Classification: Likely benign for TOP3A-related condition. Last evaluated: 2022-05-25. Review status: no assertion criteria provided. Collection method: clinical testing. Allele origin: germline. Not counted in ClinVar's aggregate classification.
Comment: This variant is classified as likely benign based on ACMG/AMP sequence variant interpretation guidelines (Richards et al. 2015 PMID: 25741868, with internal and published modifications).